The following is an entry in ClinVar:

NM_015047.3(EMC1):c.1744C>T (p.Pro582Ser)

Genes: EMC1 (ER membrane protein complex subunit 1; minus strand), EMC1-AS1 (EMC1 antisense RNA 1; plus strand). Cytogenetic location: 1p36.13.
Variant type: single nucleotide variant.
Coding change: c.1744C>T on transcript NM_015047.3 (MANE Select); coding-DNA position 1744, C replaced by T.
Protein change: p.Pro582Ser; replaces proline 582 with serine.
Molecular consequence: missense variant.
Genome position (GRCh38, 1-based): chr1:19,232,662, G>A on the plus strand (C>T on the coding strand, the complement: EMC1 is on the minus strand). VCF-style: chr1-19232662-G-A. GRCh37 (hg19) VCF-style: chr1-19559156-G-A.
Other names: c.1741C>T, p.Pro581Ser (NM_001271427.2, NM_001271428.2); c.1678C>T, p.Pro560Ser (NM_001271429.2); c.1753C>T, p.Pro585Ser (NM_001375820.1); c.1750C>T, p.Pro584Ser (NM_001375821.1); short protein forms P560S, P581S, P582S, P584S, P585S.
Identifiers: ClinVar variation 4531368 (VCV004531368.1).

ClinVar aggregate classification (germline): Likely pathogenic (1 of 4 stars; one submission).

Conditions:
Cerebellar atrophy, visual impairment, and psychomotor retardation;. Also called: Cerebellar atrophy, visual impairment, and psychomotor retardation. Identifiers: MedGen C4225172, MONDO:0014811, OMIM 616875.

Submission:

Victorian Clinical Genetics Services, Murdoch Childrens Research Institute
Classification: Likely pathogenic for Cerebellar atrophy, visual impairment, and psychomotor retardation;. Last evaluated: 2025-09-16. Review status: criteria provided, single submitter. Criteria: ACMG Guidelines, 2015. Collection method: clinical testing. Allele origin: germline. Affected: yes.
Comment: This variant is classified as Likely pathogenic. Evidence in support of pathogenic classification: Variant is absent from gnomAD (v2, v3 and v4); This variant has limited previous evidence of pathogenicity in an unrelated individual(s). This variant has been classified as likely pathogenic in LOVD. - Other missense variants comparable to the one identified in this case have moderate previous evidence for pathogenicity. p.(Pro582His) and p.(Pro582Arg) haven been reported in individuals with neurodevelopmental delay and cerebellar degeneration in the literature (PMID: 35234901). p.(Pro582His) was de novo, while p.(Pro582Arg) was described as mosaic with the proband's father being unavailable for testing; Additional information: Variant is predicted to result in a missense amino acid change from Pro to Ser; This variant is heterozygous; This gene is associated with both recessive and dominant disease. There are emerging reports for monoallelic inheritance (PMIDs: 26942288, 35234901); No published evidence of segregation with disease has been identified for this variant; No published functional evidence has been identified for this variant; Variant is located in the annotated beta-propeller domain (PMID: 35234901); Missense variant with inconclusive in silico prediction and uninformative conservation; Loss of function is a known mechanism of disease in this gene and is associated with autosomal recessive cerebellar atrophy, visual impairment, and psychomotor retardation (MIM#616875). The mechanism for autosomal dominant cerebellar atrophy, visual impairment, and psychomotor retardation (MIM#616875) is currently unknown; Variants in this gene are known to have variable expressivity (PMIDs: 26942288, 35234901).

Literature cited by the submitters: PubMed 35234901; PubMed 26942288.